The following is an entry in ClinVar:

ClinVar aggregate classification (germline): Uncertain significance (1 of 4 stars; one submission).

Allele frequency attached by ClinVar (database versions not stated): ExAC 0.00009; TOPMed 0.00092; 1000 Genomes Project 0.00020; gnomAD exomes 0.00014; 1000 Genomes Project 30x 0.00062.
gnomAD v4.1: 243 of 1,557,958 alleles (0.016%); highest among the groups gnomAD compares: African/African-American, 0.3%; 1 homozygote.

Submission:

Women's Health and Genetics/Laboratory Corporation of America, LabCorp
Classification: Uncertain significance. Last evaluated: 2021-11-16. Review status: criteria provided, single submitter. Criteria: LabCorp Variant Classification Summary - May 2015. Collection method: clinical testing. Allele origin: germline.
Comment: Variant summary: PDHX c.-277C>G is located in the untranslated mRNA region upstream of the initiation codon. This variant is also located in 5'UTR of APIP gene (c.-95G>C). The variant allele was found at a frequency of 0.00014 in 151906 control chromosomes (gnomAD). This frequency is not significantly higher than expected for a pathogenic variant in PDHX causing Pyruvate Dehydrogenase E3-Binding Protein Deficiency (0.00014 vs 0.0011), allowing no conclusion about variant significance. To our knowledge, no occurrence of c.-277C>G in individuals affected with Pyruvate Dehydrogenase E3-Binding Protein Deficiency and no experimental evidence demonstrating its impact on protein function have been reported. No clinical diagnostic laboratories have submitted clinical-significance assessments for this variant to ClinVar after 2014. Based on the evidence outlined above, the variant was classified as uncertain significance.

NC_000011.10:g.34916379C>G

Genes: APIP (APAF1 interacting protein; minus strand), PDHX (pyruvate dehydrogenase complex component X; plus strand), LOC130005547 (ATAC-STARR-seq lymphoblastoid silent region 3253; plus strand). Cytogenetic location: 11p13.
Variant type: single nucleotide variant.
Molecular consequence: 5 prime UTR variant (on NM_015957.4).
Genome position: GRCh38 VCF-style: chr11-34916379-C-G. GRCh37 (hg19) VCF-style: chr11-34937926-C-G.
Other names: c.-95G>C (NM_015957.4).
Identifiers: ClinVar variation 1329013 (VCV001329013.1), dbSNP rs538595954, ClinGen allele CA5945659.